The following is an entry in ClinVar:

ClinVar aggregate classification (germline): Conflicting classifications of pathogenicity. Review status: criteria provided, conflicting classifications (1 of 4 stars). 4 submissions from 4 submitters: Uncertain significance (3); Likely benign (1). Last evaluated 2026-05-11.

Conditions:
Inborn genetic diseases. Identifiers: MedGen C0950123, MeSH D030342.
Vici syndrome (VICIS). Identifiers: Orphanet 1493, MedGen C1855772, MONDO:0009452, OMIM 242840.

Allele frequency attached by ClinVar (database versions not stated): TOPMed 0.00013.
gnomAD v4.1: 29 of 1,603,878 alleles (0.0018%); highest among the groups gnomAD compares: African/African-American, 0.015%; no homozygotes.

Submissions (4):

Ambry Genetics
Classification: Uncertain significance for Inborn genetic diseases. Last evaluated: 2026-05-11. Review status: criteria provided, single submitter. Criteria: Ambry Variant Classification Scheme 2023. Collection method: clinical testing. Allele origin: germline.

Labcorp Genetics (formerly Invitae), Labcorp
Classification: Uncertain significance for Vici syndrome. Last evaluated: 2025-01-24. Review status: criteria provided, single submitter. Criteria: Invitae Variant Classification Sherloc (09022015). Collection method: clinical testing. Allele origin: germline.
Comment: This sequence change replaces asparagine, which is neutral and polar, with lysine, which is basic and polar, at codon 1979 of the EPG5 protein (p.Asn1979Lys). This variant is present in population databases (rs150214973, gnomAD 0.01%). This variant has not been reported in the literature in individuals affected with EPG5-related conditions. ClinVar contains an entry for this variant (Variation ID: 534602). Invitae Evidence Modeling of protein sequence and biophysical properties (such as structural, functional, and spatial information, amino acid conservation, physicochemical variation, residue mobility, and thermodynamic stability) indicates that this missense variant is not expected to disrupt EPG5 protein function with a negative predictive value of 80%. In summary, the available evidence is currently insufficient to determine the role of this variant in disease. Therefore, it has been classified as a Variant of Uncertain Significance.

Blueprint Genetics
Classification: Likely benign. Last evaluated: 2024-10-23. Review status: criteria provided, single submitter. Criteria: ACMG Guidelines, 2015. Collection method: clinical testing. Allele origin: germline.

GeneDx
Classification: Uncertain significance. Last evaluated: 2023-06-07. Review status: criteria provided, single submitter. Criteria: GeneDx Variant Classification Process June 2021. Collection method: clinical testing. Allele origin: germline. Affected: yes.
Comment: Not observed at significant frequency in large population cohorts (gnomAD); In silico analysis supports that this missense variant does not alter protein structure/function; Has not been previously published as pathogenic or benign to our knowledge

NM_020964.3(EPG5):c.5937C>A (p.Asn1979Lys)

Gene: EPG5 (ectopic P-granules 5 autophagy tethering factor; minus strand). Cytogenetic location: 18q12.3.
Variant type: single nucleotide variant.
Coding change: c.5937C>A on transcript NM_020964.3 (MANE Select); coding-DNA position 5937, C replaced by A.
Protein change: p.Asn1979Lys; replaces asparagine 1979 with lysine.
Molecular consequence: missense variant.
Genome position (GRCh38, 1-based): chr18:45,878,381, G>T on the plus strand (C>A on the coding strand, the complement: EPG5 is on the minus strand). VCF-style: chr18-45878381-G-T. GRCh37 (hg19) VCF-style: chr18-43458346-G-T.
Other names: c.5937C>A, p.Asn1979Lys (LRG_1234t1); short protein forms N1979K.
Identifiers: ClinVar variation 534602 (VCV000534602.9), dbSNP rs150214973, ClinGen allele CA8948438.